The following is an entry in ClinVar:

ClinVar aggregate classification (germline): Uncertain significance. Review status: criteria provided, multiple submitters, no conflicts (2 of 4 stars). 3 submissions from 3 submitters: Uncertain significance (3). Last evaluated 2025-08-27.

Conditions:
Inborn genetic diseases. Identifiers: MedGen C0950123, MeSH D030342.
CHD7-related disorder. Also called: CHD7-related condition.
CHARGE syndrome (CHARGE). Also called: Coloboma, heart anomaly, choanal atresia, retardation, genital and ear anomalies; CHARGE association; Hall-Hittner syndrome; Hittner Hirsch Kreh syndrome; CHARGE ASSOCIATION--COLOBOMA, HEART ANOMALY, CHOANAL ATRESIA, RETARDATION, GENITAL AND EAR ANOMALIES. Identifiers: Orphanet 138, MedGen C0265354, MONDO:0008965.

Allele frequency attached by ClinVar (database versions not stated): gnomAD 0.00001; gnomAD exomes 0.00001; TOPMed 0.00002.
gnomAD v4.1: 17 of 1,613,572 alleles (0.0011%); highest among the groups gnomAD compares: Admixed American, 0.0017%; no homozygotes.

Submissions (3):

Ambry Genetics
Classification: Uncertain significance for Inborn genetic diseases. Last evaluated: 2025-08-27. Review status: criteria provided, single submitter. Criteria: Ambry Variant Classification Scheme 2023. Collection method: clinical testing. Allele origin: germline.

PreventionGenetics, part of Exact Sciences
Classification: Uncertain significance for CHD7-related condition. Last evaluated: 2025-02-05. Review status: criteria provided, single submitter. Criteria: ACMG Guidelines, 2015. Collection method: clinical testing. Allele origin: germline.
Comment: The CHD7 c.5441C>T variant is predicted to result in the amino acid substitution p.Ala1814Val. To our knowledge, this variant has not been reported in the literature. This variant is reported in 0.0% of alleles in individuals of African descent in gnomAD. Although we suspect that this variant may be benign, at this time, the clinical significance of this variant is uncertain due to the absence of conclusive functional and genetic evidence.

Labcorp Genetics (formerly Invitae), Labcorp
Classification: Uncertain significance for CHARGE syndrome. Last evaluated: 2024-11-19. Review status: criteria provided, single submitter. Criteria: Invitae Variant Classification Sherloc (09022015). Collection method: clinical testing. Allele origin: germline.
Comment: This sequence change replaces alanine, which is neutral and non-polar, with valine, which is neutral and non-polar, at codon 1814 of the CHD7 protein (p.Ala1814Val). This variant is not present in population databases (gnomAD no frequency). This variant has not been reported in the literature in individuals affected with CHD7-related conditions. ClinVar contains an entry for this variant (Variation ID: 1487306). Invitae Evidence Modeling of protein sequence and biophysical properties (such as structural, functional, and spatial information, amino acid conservation, physicochemical variation, residue mobility, and thermodynamic stability) indicates that this missense variant is not expected to disrupt CHD7 protein function with a negative predictive value of 95%. In summary, the available evidence is currently insufficient to determine the role of this variant in disease. Therefore, it has been classified as a Variant of Uncertain Significance.

NM_017780.4(CHD7):c.5441C>T (p.Ala1814Val)

Gene: CHD7 (chromodomain helicase DNA binding protein 7; plus strand). Cytogenetic location: 8q12.2.
Variant type: single nucleotide variant.
Coding change: c.5441C>T on transcript NM_017780.4 (MANE Select); coding-DNA position 5441, C replaced by T.
Protein change: p.Ala1814Val; replaces alanine 1814 with valine.
Molecular consequence: missense variant. On other transcripts: intron variant (1).
Genome position (GRCh38, 1-based): chr8:60,850,529, C>T. VCF-style: chr8-60850529-C-T. GRCh37 (hg19) VCF-style: chr8-61763088-C-T.
Other names: c.1717-11700C>T (NM_001316690.1); short protein forms A1814V.
Identifiers: ClinVar variation 1487306 (VCV001487306.12), dbSNP rs1805407417, ClinGen allele CA371321574.